The following is an entry in ClinVar:

NM_017541.4(CRYGS):c.294C>A (p.Ile98=)

Gene: CRYGS (crystallin gamma S; minus strand). Cytogenetic location: 3q27.3.
Variant type: single nucleotide variant.
Coding change: c.294C>A on transcript NM_017541.4 (MANE Select); coding-DNA position 294, C replaced by A.
Protein change: p.Ile98=; no amino-acid change (isoleucine 98 retained).
Molecular consequence: synonymous variant.
Genome position (GRCh38, 1-based): chr3:186,538,939, G>T on the plus strand (C>A on the coding strand, the complement: CRYGS is on the minus strand). VCF-style: chr3-186538939-G-T. GRCh37 (hg19) VCF-style: chr3-186256728-G-T.
Identifiers: ClinVar variation 1169999 (VCV001169999.8), dbSNP rs140421841, ClinGen allele CA2743870.

ClinVar aggregate classification (germline): Benign/Likely benign. Review status: criteria provided, multiple submitters, no conflicts (2 of 4 stars). 2 submissions from 2 submitters: Benign (1); Likely benign (1). Last evaluated 2026-07-01.

Conditions:
Cataract 20 multiple types (CTRCT20). Also called: Membranous cataract. Identifiers: Orphanet 91492, MedGen C0524524, MONDO:0007284, OMIM 116100, HP:0010922.

Allele frequency attached by ClinVar (database versions not stated): gnomAD exomes 0.00019 and 0.00045; ExAC 0.00049; 1000 Genomes Project 30x 0.00094; 1000 Genomes Project 0.00100; gnomAD 0.00178 and 0.00198; TOPMed 0.00206; ESP Exome Variant Server 0.00269.
gnomAD v4.1: 562 of 1,614,102 alleles (0.035%); highest among the groups gnomAD compares: African/African-American, 0.65%; 2 homozygotes.

Submissions (2):

CeGaT Center for Human Genetics Tuebingen
Classification: Likely benign. Last evaluated: 2026-07-01. Review status: criteria provided, single submitter. Criteria: CeGaT Center For Human Genetics Tuebingen Variant Classification Criteria Version 2. Collection method: clinical testing. Allele origin: germline. Affected: yes. Observed: 1 variant allele.
Comment: CRYGS: BP4, BS1

Labcorp Genetics (formerly Invitae), Labcorp
Classification: Benign for Cataract 20 multiple types. Last evaluated: 2025-10-02. Review status: criteria provided, single submitter. Criteria: Invitae Variant Classification Sherloc (09022015). Collection method: clinical testing. Allele origin: germline.